The following is an entry in ClinVar:

ClinVar aggregate classification (germline): Pathogenic. Review status: criteria provided, multiple submitters, no conflicts (2 of 4 stars). 3 submissions from 3 submitters: Pathogenic (3). Last evaluated 2025-12-02.

Conditions:
Axenfeld-Rieger syndrome type 3 (RIEG3). Also called: AXENFELD-RIEGER ANOMALY WITH CARDIAC DEFECTS AND/OR SENSORINEURAL HEARING LOSS. Identifiers: Orphanet 782, MedGen C2678503, MONDO:0011233, OMIM 602482.

Submissions (3):

Labcorp Genetics (formerly Invitae), Labcorp
Classification: Pathogenic for Axenfeld-Rieger syndrome type 3. Last evaluated: 2025-12-02. Review status: criteria provided, single submitter. Criteria: Invitae Variant Classification Sherloc (09022015). Collection method: clinical testing. Allele origin: germline.
Comment: This sequence change creates a premature translational stop signal (p.Gln92*) in the FOXC1 gene. While this is not anticipated to result in nonsense mediated decay, it is expected to disrupt the last 462 amino acid(s) of the FOXC1 protein. This variant is not present in population databases (gnomAD no frequency). This premature translational stop signal has been observed in individual(s) with Axenfeld-Rieger syndrome (PMID: 30457409, 35882526). In at least one individual the variant was observed to be de novo. ClinVar contains an entry for this variant (Variation ID: 1693139). This variant disrupts a region of the FOXC1 protein in which other variant(s) (p.Tyr497*) have been determined to be pathogenic (PMID: 28513611). This suggests that this is a clinically significant region of the protein, and that variants that disrupt it are likely to be disease-causing. For these reasons, this variant has been classified as Pathogenic.

Genomics, Genetics and Epigenetics Laboratory, Medical College of Wisconsin
Classification: Pathogenic for Axenfeld-Rieger syndrome type 3. Last evaluated: 2022-06-23. Review status: criteria provided, single submitter. Criteria: ACMG Guidelines, 2015. Collection method: research. Allele origin: germline. Affected: yes. Observed: 1 variant allele.

Institute of Immunology and Genetics Kaiserslautern
Classification: Pathogenic for Axenfeld-Rieger syndrome type 3. Last evaluated: 2022-06-12. Review status: criteria provided, single submitter. Criteria: ACMG Guidelines, 2015. Collection method: clinical testing. Allele origin: de novo. Affected: yes.
Comment: ACMG Criteria: PVS1, PS2, PM2_P, PP5; Variant was found in heterozygous state. De novo-status was confirmed via in-house segregation analysis.

Literature cited by the submitters: PubMed 30457409 (cited by Labcorp Genetics (formerly Invitae), Labcorp); PubMed 35882526 (cited by Labcorp Genetics (formerly Invitae), Labcorp and Genomics, Genetics and Epigenetics Laboratory, Medical College of Wisconsin); PubMed 28513611 (cited by Labcorp Genetics (formerly Invitae), Labcorp).

NM_001453.3(FOXC1):c.274C>T (p.Gln92Ter)

Genes: FOXC1 (forkhead box C1; plus strand), LOC129995601 (ATAC-STARR-seq lymphoblastoid active region 23864; plus strand). Cytogenetic location: 6p25.3.
Variant type: single nucleotide variant.
Coding change: c.274C>T on transcript NM_001453.3 (MANE Select); coding-DNA position 274, C replaced by T.
Protein change: p.Gln92Ter; replaces glutamine 92 with a stop codon.
Molecular consequence: nonsense.
Genome position (GRCh38, 1-based): chr6:1,610,719, C>T. VCF-style: chr6-1610719-C-T. GRCh37 (hg19) VCF-style: chr6-1610954-C-T.
Other names: short protein forms Q92*.
Identifiers: ClinVar variation 1693139 (VCV001693139.5), dbSNP rs2480502130, ClinGen allele CA362558452.